The following is an entry in ClinVar:

NM_198994.3(TGM6):c.763G>A (p.Val255Met)

Gene: TGM6 (transglutaminase 6; plus strand). Cytogenetic location: 20p13.
Variant type: single nucleotide variant.
Coding change: c.763G>A on transcript NM_198994.3 (MANE Select); coding-DNA position 763, G replaced by A.
Protein change: p.Val255Met; replaces valine 255 with methionine.
Molecular consequence: missense variant.
Genome position (GRCh38, 1-based): chr20:2,399,651, G>A. VCF-style: chr20-2399651-G-A. GRCh37 (hg19) VCF-style: chr20-2380297-G-A.
Other names: c.763G>A, p.Val255Met (NM_001254734.2); short protein forms V255M.
Identifiers: ClinVar variation 1695012 (VCV001695012.32), dbSNP rs751618387, ClinGen allele CA9731814.

ClinVar aggregate classification (germline): Uncertain significance. Review status: criteria provided, multiple submitters, no conflicts (2 of 4 stars). 2 submissions from 2 submitters: Uncertain significance (2). Last evaluated 2024-09-03.

Conditions:
Spinocerebellar ataxia type 35. Identifiers: Orphanet 276193, MedGen C3888031, MONDO:0013485, OMIM 613908.

Allele frequency attached by ClinVar (database versions not stated): ExAC 0.00002; gnomAD exomes 0.00002; gnomAD 0.00004; TOPMed 0.00005.
gnomAD v4.1: 42 of 1,613,702 alleles (0.0026%); highest among the groups gnomAD compares: Admixed American, 0.0033%; no homozygotes.

Submissions (2):

Revvity Omics, Revvity
Classification: Uncertain significance for Spinocerebellar ataxia type 35. Last evaluated: 2024-09-03. Review status: criteria provided, single submitter. Criteria: ACMG Guidelines, 2015. Collection method: clinical testing. Allele origin: germline.

CeGaT Center for Human Genetics Tuebingen
Classification: Uncertain significance. Last evaluated: 2022-04-01. Review status: criteria provided, single submitter. Criteria: CeGaT Center For Human Genetics Tuebingen Variant Classification Criteria Version 2. Collection method: clinical testing. Allele origin: germline. Affected: yes. Observed: 1 variant allele.
Comment: TGM6: PM2, PP4